The following is an entry in ClinVar:

NM_001465.6(FYB1):c.1281G>A (p.Pro427=)

Gene: FYB1 (FYN binding protein 1; minus strand). Cytogenetic location: 5p13.1.
Variant type: single nucleotide variant.
Coding change: c.1281G>A on transcript NM_001465.6 (MANE Select); coding-DNA position 1281, G replaced by A.
Protein change: p.Pro427=; no amino-acid change (proline 427 retained).
Molecular consequence: synonymous variant.
Genome position (GRCh38, 1-based): chr5:39,153,459, C>T on the plus strand (G>A on the coding strand, the complement: FYB1 is on the minus strand). VCF-style: chr5-39153459-C-T. GRCh37 (hg19) VCF-style: chr5-39153561-C-T.
Other names: c.1311G>A, p.Pro437= (NM_001243093.2, NM_018594.2); c.1281G>A, p.Pro427= (NM_001349333.2, NM_199335.5).
Identifiers: ClinVar variation 3057548 (VCV003057548.3), dbSNP rs115158663, ClinGen allele CA3246291.

ClinVar aggregate classification (germline): Likely benign. Review status: criteria provided, single submitter (1 of 4 stars). 2 submissions from 2 submitters: Likely benign (1). 1 of the submissions does not count toward it. Last evaluated 2020-11-19.

Conditions:
FYB1-related disorder. Also called: FYB1-related condition.

Allele frequency attached by ClinVar (database versions not stated): gnomAD exomes 0.00005; 1000 Genomes Project 30x 0.00016; ExAC 0.00017; 1000 Genomes Project 0.00020; ESP Exome Variant Server 0.00024; gnomAD 0.00026; TOPMed 0.00029.
gnomAD v4.1: 121 of 1,613,632 alleles (0.0075%); highest among the groups gnomAD compares: African/African-American, 0.076%; no homozygotes.

Submissions (2):

Blueprint Genetics
Classification: Likely benign. Last evaluated: 2020-11-19. Review status: criteria provided, single submitter. Criteria: ACMG Guidelines, 2015. Collection method: clinical testing. Allele origin: germline.

PreventionGenetics, part of Exact Sciences
Classification: Likely benign for FYB1-related condition. Last evaluated: 2019-04-04. Review status: no assertion criteria provided. Collection method: clinical testing. Allele origin: germline. Not counted in ClinVar's aggregate classification.
Comment: This variant is classified as likely benign based on ACMG/AMP sequence variant interpretation guidelines (Richards et al. 2015 PMID: 25741868, with internal and published modifications).